The following is an entry in ClinVar:

NM_000059.4(BRCA2):c.7858del (p.Val2620fs)

Gene: BRCA2 (BRCA2 DNA repair associated; plus strand). Cytogenetic location: 13q13.1.
Variant type: Deletion.
Coding change: c.7858del on transcript NM_000059.4 (MANE Select); coding-DNA position 7858, one base deleted (G; older notation c.7858delG).
Protein change: p.Val2620fs; shifts the reading frame from valine 2620.
Molecular consequence: frameshift variant.
Genome position (GRCh38, 1-based): chr13:32,362,575, G deleted; the last of 3 consecutive G bases (chr13:32,362,573-32,362,575); deleting any one gives the same sequence. VCF-style (leftmost placement, unchanged base first): chr13-32362572-TG-T. GRCh37 (hg19) VCF-style: chr13-32936709-TG-T.
Other names: c.7858delG (NM_000059.3).
Identifiers: ClinVar variation 254613 (VCV000254613.3), dbSNP rs886038176, ClinGen allele CA10586581.

ClinVar aggregate classification (germline): Pathogenic. Review status: reviewed by expert panel (3 of 4 stars). 2 submissions from 2 submitters: Pathogenic (1). 1 of the submissions does not count toward it. Last evaluated 2016-09-08.

Conditions:
Breast-ovarian cancer, familial, susceptibility to, 2 (BROVCA2). Also called: BRCA2 Hereditary Breast and Ovarian Cancer. Identifiers: Orphanet 145, MedGen C2675520, MONDO:0012933, OMIM 612555. Disease mechanism: loss of function.

Submissions (2):

Evidence-based Network for the Interpretation of Germline Mutant Alleles (ENIGMA)
Classification: Pathogenic for Breast-ovarian cancer, familial, susceptibility to, 2. Last evaluated: 2016-09-08. Review status: reviewed by expert panel. Criteria: ENIGMA BRCA1/2 Classification Criteria (2015). Collection method: curation. Allele origin: germline.
Comment: Variant allele predicted to encode a truncated non-functional protein.

Consortium of Investigators of Modifiers of BRCA1/2 (CIMBA), c/o University of Cambridge
Classification: Pathogenic for Breast-ovarian cancer, familial, susceptibility to, 2. Last evaluated: 2015-10-02. Review status: criteria provided, single submitter. Criteria: CIMBA Mutation Classification guidelines May 2016. Collection method: clinical testing. Allele origin: germline. Not counted in ClinVar's aggregate classification.